The following is an entry in ClinVar:

ClinVar aggregate classification (germline): Uncertain significance (0 of 4 stars; one submission).

Submission:

Department of Pathology and Laboratory Medicine, Sinai Health System
Classification: Uncertain significance. Review status: no assertion criteria provided. Collection method: clinical testing. Allele origin: unknown. Affected: yes. Study: The Canadian Open Genetics Repository (COGR).
Comment: The ATRX p.Gly1896Glu variant was not identified in the literature nor was it identified in dbSNP, ClinVar or in the following control databases: the 1000 Genomes Project, the NHLBI GO Exome Sequencing Project, or the Genome Aggregation Database (March 6, 2019, v2.1.1). The p.Gly1896 residue is conserved in mammals and computational analyses (PolyPhen-2, SIFT, AlignGVGD, BLOSUM, MutationTaster) provide inconsistent predictions regarding the impact to the protein; this information is not very predictive of pathogenicity. The variant occurs outside of the splicing consensus sequence and in silico or computational prediction software programs (SpliceSiteFinder, MaxEntScan, NNSPLICE, GeneSplicer) do not predict a difference in splicing. In summary, based on the above information the clinical significance of this variant cannot be determined with certainty at this time. This variant is classified as a variant of uncertain significance.

NM_000489.6(ATRX):c.5801G>A (p.Gly1934Glu)

Gene: ATRX (ATRX chromatin remodeler; minus strand). Cytogenetic location: Xq21.1.
Variant type: single nucleotide variant.
Coding change: c.5801G>A on transcript NM_000489.6 (MANE Select); coding-DNA position 5801, G replaced by A.
Protein change: p.Gly1934Glu; replaces glycine 1934 with glutamic acid.
Molecular consequence: missense variant.
Genome position (GRCh38, 1-based): chrX:77,599,566, C>T on the plus strand (G>A on the coding strand, the complement: ATRX is on the minus strand). VCF-style: chrX-77599566-C-T. GRCh37 (hg19) VCF-style: chrX-76855035-C-T.
Other names: c.5687G>A, p.Gly1896Glu (NM_138270.5); short protein forms G1896E, G1934E.
Identifiers: ClinVar variation 1050711 (VCV001050711.1), dbSNP rs2148145226, ClinGen allele CA413697835.